The following is an entry in ClinVar:

ClinVar aggregate classification (germline): Uncertain significance (1 of 4 stars; one submission).

Conditions:
Alagille syndrome due to a JAG1 point mutation. Also called: Alagille Syndrome 1; HEPATIC DUCTULAR HYPOPLASIA, SYNDROMATIC; JAG1-Related Alagille Syndrome. Identifiers: Orphanet 261619, Orphanet 52, MedGen C1956125, MONDO:0016862, OMIM 118450.

Submission:

Labcorp Genetics (formerly Invitae), Labcorp
Classification: Uncertain significance for Alagille syndrome due to a JAG1 point mutation. Last evaluated: 2022-10-24. Review status: criteria provided, single submitter. Criteria: Invitae Variant Classification Sherloc (09022015). Collection method: clinical testing. Allele origin: germline.
Comment: In summary, the available evidence is currently insufficient to determine the role of this variant in disease. Therefore, it has been classified as a Variant of Uncertain Significance. Advanced modeling of protein sequence and biophysical properties (such as structural, functional, and spatial information, amino acid conservation, physicochemical variation, residue mobility, and thermodynamic stability) performed at Invitae indicates that this missense variant is not expected to disrupt JAG1 protein function. ClinVar contains an entry for this variant (Variation ID: 1404813). This variant has not been reported in the literature in individuals affected with JAG1-related conditions. This variant is not present in population databases (gnomAD no frequency). This sequence change replaces aspartic acid, which is acidic and polar, with glycine, which is neutral and non-polar, at codon 879 of the JAG1 protein (p.Asp879Gly).

NM_000214.3(JAG1):c.2636A>G (p.Asp879Gly)

Gene: JAG1 (jagged canonical Notch ligand 1; minus strand). Cytogenetic location: 20p12.2.
Variant type: single nucleotide variant.
Coding change: c.2636A>G on transcript NM_000214.3 (MANE Select); coding-DNA position 2636, A replaced by G.
Protein change: p.Asp879Gly; replaces aspartic acid 879 with glycine.
Molecular consequence: missense variant.
Genome position (GRCh38, 1-based): chr20:10,641,829, T>C on the plus strand (A>G on the coding strand, the complement: JAG1 is on the minus strand). VCF-style: chr20-10641829-T-C. GRCh37 (hg19) VCF-style: chr20-10622477-T-C.
Other names: short protein forms D879G.
Identifiers: ClinVar variation 1404813 (VCV001404813.8), dbSNP rs948733750, ClinGen allele CA311368891.
Genomic context (GRCh38, chr20:10,641,829, plus strand): 5'-CCATCATGTCCTACCTTTGAGCAGGCGATCCGTCCATTCAGGCACTGGCAGGTATTACAG[T>C]CATCATCCCATTTGGCCCCATCTGGTATCACACTCCCCATGGTGATGCAAGGTCTCCCTG-3'
Protein context (NP_000205.1, residues 869-889): VIPDGAKWDD[Asp879Gly]CNTCQCLNGR